The following is an entry in ClinVar:

NM_001042750.2(STAG2):c.3724C>T (p.Arg1242Ter)

Gene: STAG2 (STAG2 cohesin complex component; plus strand). Cytogenetic location: Xq25.
Variant type: single nucleotide variant.
Coding change: c.3724C>T on transcript NM_001042750.2 (MANE Select); coding-DNA position 3724, C replaced by T.
Protein change: p.Arg1242Ter; replaces arginine 1242 with a stop codon.
Molecular consequence: nonsense.
Genome position (GRCh38, 1-based): chrX:124,095,390, C>T. VCF-style: chrX-124095390-C-T. GRCh37 (hg19) VCF-style: chrX-123229240-C-T.
Other names: c.3724C>T, p.Arg1242Ter (NM_001042749.2, NM_001375366.1, NM_001375367.1 and 5 more transcripts); c.3613C>T, p.Arg1205Ter (NM_001042751.2, NM_001282418.2, NM_001375373.1 and 5 more transcripts); short protein forms R1205*, R1242*.
Identifiers: ClinVar variation 3257785 (VCV003257785.3).

ClinVar aggregate classification (germline): Pathogenic (1 of 4 stars; one submission).
ClinVar aggregate classification (oncogenicity): Uncertain significance (1 of 4 stars; one submission).

Conditions:
Neoplasm. Also called: Neoplasms; Neoplasm (disease); tumor. Identifiers: MedGen C0027651, MeSH D009369, MONDO:0005070, HP:0002664.

gnomAD v4.1: 1 of 1,209,196 alleles (0.000083%); highest among the groups gnomAD compares: Non-Finnish European, 0.00011%; no homozygotes.

Submissions (2):

Center for Genomic Medicine, Rigshospitalet, Copenhagen University Hospital
Classification: Uncertain significance for Neoplasm. Last evaluated: 2025-03-04. Review status: criteria provided, single submitter. Criteria: ClinGen/CGC/VICC Guidelines for Oncogenicity, 2022. Collection method: clinical testing. Allele origin: somatic. Affected: yes.

GeneDx
Classification: Pathogenic. Last evaluated: 2024-11-19. Review status: criteria provided, single submitter. Criteria: GeneDx Variant Classification Process June 2021. Collection method: clinical testing. Allele origin: germline. Affected: yes.
Comment: Nonsense variant predicted to result in protein truncation or nonsense mediated decay in a gene for which loss of function is a known mechanism of disease; Not observed at significant frequency in large population cohorts (gnomAD); This variant is associated with the following publications: (PMID: 33312743, 33134868, 39268974, 36212160, 31896808, 32058062)